The following is an entry in ClinVar:

ClinVar aggregate classification (germline): Uncertain significance. Review status: criteria provided, multiple submitters, no conflicts (2 of 4 stars). 2 submissions from 2 submitters: Uncertain significance (2). Last evaluated 2024-05-30.

Conditions:
Cardiovascular phenotype. Identifiers: MedGen CN230736.
Dilated cardiomyopathy 1O (CMD1O). Also called: CARDIOMYOPATHY, DILATED, WITH VENTRICULAR TACHYCARDIA. Identifiers: Orphanet 154, MedGen C1837839, MONDO:0012062, OMIM 608569.

Allele frequency attached by ClinVar (database versions not stated): TOPMed below 0.00001; ExAC 0.00001; gnomAD exomes 0.00001.
gnomAD v4.1: 5 of 1,611,806 alleles (0.00031%); highest among the groups gnomAD compares: Middle Eastern, 0.033%; no homozygotes.

Submissions (2):

Ambry Genetics
Classification: Uncertain significance for Cardiovascular phenotype. Last evaluated: 2024-05-30. Review status: criteria provided, single submitter. Criteria: Ambry Variant Classification Scheme 2023. Collection method: clinical testing. Allele origin: germline.
Comment: The p.F772S variant (also known as c.2315T>C), located in coding exon 18 of the ABCC9 gene, results from a T to C substitution at nucleotide position 2315. The phenylalanine at codon 772 is replaced by serine, an amino acid with highly dissimilar properties. This amino acid position is highly conserved in available vertebrate species. In addition, this alteration is predicted to be deleterious by in silico analysis. Based on the available evidence, the clinical significance of this variant remains unclear.

Labcorp Genetics (formerly Invitae), Labcorp
Classification: Uncertain significance for Dilated cardiomyopathy 1O. Last evaluated: 2023-11-27. Review status: criteria provided, single submitter. Criteria: Invitae Variant Classification Sherloc (09022015). Collection method: clinical testing. Allele origin: germline.
Comment: This sequence change replaces phenylalanine, which is neutral and non-polar, with serine, which is neutral and polar, at codon 772 of the ABCC9 protein (p.Phe772Ser). This variant is present in population databases (rs775448788, gnomAD 0.006%). This variant has not been reported in the literature in individuals affected with ABCC9-related conditions. ClinVar contains an entry for this variant (Variation ID: 2162456). Advanced modeling of protein sequence and biophysical properties (such as structural, functional, and spatial information, amino acid conservation, physicochemical variation, residue mobility, and thermodynamic stability) performed at Invitae indicates that this missense variant is expected to disrupt ABCC9 protein function with a positive predictive value of 95%. In summary, the available evidence is currently insufficient to determine the role of this variant in disease. Therefore, it has been classified as a Variant of Uncertain Significance.

NM_020297.4(ABCC9):c.2315T>C (p.Phe772Ser)

Gene: ABCC9 (ATP binding cassette subfamily C member 9; minus strand). Cytogenetic location: 12p12.1.
Variant type: single nucleotide variant.
Coding change: c.2315T>C on transcript NM_020297.4 (MANE Select); coding-DNA position 2315, T replaced by C.
Protein change: p.Phe772Ser; replaces phenylalanine 772 with serine.
Molecular consequence: missense variant.
Genome position (GRCh38, 1-based): chr12:21,862,977, A>G on the plus strand (T>C on the coding strand, the complement: ABCC9 is on the minus strand). VCF-style: chr12-21862977-A-G. GRCh37 (hg19) VCF-style: chr12-22015911-A-G.
Other names: c.2315T>C, p.Phe772Ser (NM_001377273.1, NM_005691.4); c.1448T>C, p.Phe483Ser (NM_001377274.1); short protein forms F483S, F772S.
Identifiers: ClinVar variation 2162456 (VCV002162456.5), dbSNP rs775448788, ClinGen allele CA6481420.